The following is an entry in ClinVar:

ClinVar aggregate classification (germline): Likely benign. Review status: criteria provided, multiple submitters, no conflicts (2 of 4 stars). 2 submissions from 2 submitters: Likely benign (2). Last evaluated 2024-10-30.

Conditions:
Fanconi anemia complementation group J. Also called: BRIP1-Related Fanconi Anemia. Identifiers: Orphanet 84, MedGen C1836860, MONDO:0012187, OMIM 609054.
Familial cancer of breast. Also called: hereditary breast carcinoma; BREAST CANCER, FAMILIAL; Hereditary breast cancer. Identifiers: Orphanet 227535, MedGen C0346153, MONDO:0016419, OMIM 114480. Disease mechanism: loss of function.

Submissions (2):

Labcorp Genetics (formerly Invitae), Labcorp
Classification: Likely benign for Familial cancer of breast; Fanconi anemia complementation group J. Last evaluated: 2024-10-30. Review status: criteria provided, single submitter. Criteria: Invitae Variant Classification Sherloc (09022015). Collection method: clinical testing. Allele origin: germline.

Myriad Genetics, Inc.
Classification: Likely benign for Familial cancer of breast. Last evaluated: 2024-08-28. Review status: criteria provided, single submitter. Criteria: Myriad Autosomal Dominant, Autosomal Recessive and X-Linked Classification Criteria (2023). Collection method: clinical testing. Allele origin: unknown.
Comment: This variant is considered likely benign. This variant is intronic and is not expected to impact mRNA splicing.

NM_032043.3(BRIP1):c.1474-13del

Gene: BRIP1 (BRCA1 interacting DNA helicase 1; minus strand). Cytogenetic location: 17q23.2.
Variant type: Deletion.
Coding change: c.1474-13del on transcript NM_032043.3 (MANE Select); 13 bases into the intron before coding-DNA position 1474, one base deleted (T; older notation c.1474-13delT).
Molecular consequence: intron variant.
Genome position (GRCh38, 1-based): chr17:61,784,437, A deleted on the plus strand (T on the coding strand, the reverse complement: BRIP1 is on the minus strand). VCF-style (leftmost placement, unchanged base first): chr17-61784436-TA-T. GRCh37 (hg19) VCF-style: chr17-59861797-TA-T.
Identifiers: ClinVar variation 3379136 (VCV003379136.3).
Genomic context (GRCh38, chr17:61,784,436, plus strand): 5'-AAATTGGTGAGATTTTTTCCTCTTTTTGAAGAACAGCAGAAAAATGTCCCTATAAGAAAT[TA>T]CCATATTAAGTATAGAGGGGTTGGGAGGGAATTGGAAAAAGAAACTTCTCAAAAATACAA-3'